The following is an entry in ClinVar:

NM_018116.4(MSTO1):c.1059G>A (p.Met353Ile)

Gene: MSTO1 (misato mitochondrial distribution and morphology regulator 1; plus strand). Cytogenetic location: 1q22.
Variant type: single nucleotide variant.
Coding change: c.1059G>A on transcript NM_018116.4 (MANE Select); coding-DNA position 1059, G replaced by A.
Protein change: p.Met353Ile; replaces methionine 353 with isoleucine.
Molecular consequence: missense variant. On other transcripts: non-coding transcript variant (6).
Genome position (GRCh38, 1-based): chr1:155,612,936, G>A. VCF-style: chr1-155612936-G-A. GRCh37 (hg19) VCF-style: chr1-155582727-G-A.
Other names: p.Met353Ile; c.1059G>A, p.Met353Ile (NM_001256532.1, NM_001256533.1, NM_001350772.1 and 3 more transcripts); c.894G>A, p.Met298Ile (NM_001350776.1); c.528G>A, p.Met176Ile (NM_001350777.1, NM_001350778.1, NM_001350779.1); c.525G>A, p.Met175Ile (NM_001350780.1, NM_001350781.1, NM_001350782.1 and 3 more transcripts); c.516G>A, p.Met172Ile (NM_001350784.1, NM_001350785.1, NM_001350787.1 and 1 more transcripts); short protein forms M172I, M176I, M298I, M353I, M175I.
Identifiers: ClinVar variation 1033467 (VCV001033467.2), dbSNP rs149262326, ClinGen allele CA1148108.

ClinVar aggregate classification (germline): Uncertain significance. Review status: criteria provided, multiple submitters, no conflicts (2 of 4 stars). 2 submissions from 2 submitters: Uncertain significance (2). Last evaluated 2023-02-14.

Conditions:
Mitochondrial myopathy-cerebellar ataxia-pigmentary retinopathy syndrome. Also called: MYOPATHY, MITOCHONDRIAL, AND ATAXIA. Identifiers: Orphanet 502423, MedGen C4540096, MONDO:0044714, OMIM 617675.

Allele frequency attached by ClinVar (database versions not stated): gnomAD exomes 0.00021 and 0.00007; ExAC 0.00033; 1000 Genomes Project 0.00040; 1000 Genomes Project 30x 0.00047; gnomAD 0.00088 and 0.00092; TOPMed 0.00091; ESP Exome Variant Server 0.00100.
gnomAD v4.1: 237 of 1,613,916 alleles (0.015%); highest among the groups gnomAD compares: African/African-American, 0.28%; no homozygotes.

Submissions (2):

Mayo Clinic Laboratories, Mayo Clinic
Classification: Uncertain significance. Last evaluated: 2023-02-14. Review status: criteria provided, single submitter. Criteria: ACMG Guidelines, 2015. Collection method: clinical testing. Allele origin: germline. Observed: 1 variant allele.
Comment: BP4

Baylor Genetics
Classification: Uncertain significance for Mitochondrial myopathy-cerebellar ataxia-pigmentary retinopathy syndrome. Last evaluated: 2018-03-19. Review status: criteria provided, single submitter. Criteria: ACMG Guidelines, 2015. Collection method: clinical testing. Allele origin: unknown. Affected: yes.
Comment: This variant was determined to be of uncertain significance according to ACMG Guidelines, 2015 [PMID:25741868].